The following is an entry in ClinVar:

ClinVar aggregate classification (germline): Pathogenic (1 of 4 stars; one submission).

Submission:

GeneDx
Classification: Pathogenic. Last evaluated: 2024-12-12. Review status: criteria provided, single submitter. Criteria: GeneDx Variant Classification Process June 2021. Collection method: clinical testing. Allele origin: germline. Affected: yes.
Comment: Reported in a patient with features of ASH1L-related neurodevelopmental disorder with multiple anomalies in published literature (PMID: 33879512); Not observed in large population cohorts (gnomAD); Nonsense variant predicted to result in protein truncation or nonsense mediated decay in a gene for which loss of function is a known mechanism of disease; This variant is associated with the following publications: (PMID: 33879512)

NM_018489.3(ASH1L):c.6826C>T (p.Arg2276Ter)

Gene: ASH1L (ASH1 like histone lysine methyltransferase; minus strand). Cytogenetic location: 1q22.
Variant type: single nucleotide variant.
Coding change: c.6826C>T on transcript NM_018489.3 (MANE Select); coding-DNA position 6826, C replaced by T.
Protein change: p.Arg2276Ter; replaces arginine 2276 with a stop codon.
Molecular consequence: nonsense.
Genome position (GRCh38, 1-based): chr1:155,357,719, G>A on the plus strand (C>T on the coding strand, the complement: ASH1L is on the minus strand). VCF-style: chr1-155357719-G-A. GRCh37 (hg19) VCF-style: chr1-155327510-G-A.
Other names: c.6841C>T, p.Arg2281Ter (NM_001366177.2); short protein forms R2276*, R2281*.
Identifiers: ClinVar variation 1317483 (VCV001317483.3), dbSNP rs2148372150, ClinGen allele CA342750812.